The following is an entry in ClinVar:

NM_006096.4(NDRG1):c.1088G>T (p.Arg363Leu)

Gene: NDRG1 (N-myc downstream regulated 1; minus strand). Cytogenetic location: 8q24.22.
Variant type: single nucleotide variant.
Coding change: c.1088G>T on transcript NM_006096.4 (MANE Select); coding-DNA position 1088, G replaced by T.
Protein change: p.Arg363Leu; replaces arginine 363 with leucine.
Molecular consequence: missense variant.
Genome position (GRCh38, 1-based): chr8:133,238,975, C>A on the plus strand (G>T on the coding strand, the complement: NDRG1 is on the minus strand). VCF-style: chr8-133238975-C-A. GRCh37 (hg19) VCF-style: chr8-134251218-C-A.
Other names: c.1088G>T, p.Arg363Leu (NM_001135242.2, NM_001374845.1, NM_001374846.1); c.890G>T, p.Arg297Leu (NM_001258432.2, NM_001374847.1); c.845G>T, p.Arg282Leu (NM_001258433.2); c.1139G>T, p.Arg380Leu (NM_001374844.1); short protein forms R282L, R297L, R363L, R380L.
Identifiers: ClinVar variation 4690027 (VCV004690027.1).

ClinVar aggregate classification (germline): Uncertain significance (1 of 4 stars; one submission).

gnomAD v4.1: 3 of 1,589,806 alleles (0.00019%); highest among the groups gnomAD compares: South Asian, 0.0023%; no homozygotes.

Submission:

GeneDx
Classification: Uncertain significance. Last evaluated: 2025-07-27. Review status: criteria provided, single submitter. Criteria: GeneDx Variant Classification Process June 2021. Collection method: clinical testing. Allele origin: germline. Affected: yes.
Comment: Not observed at significant frequency in large population cohorts (gnomAD); In silico analysis suggests that this missense variant does not alter protein structure/function; Has not been previously published as pathogenic or benign to our knowledge